The following is an entry in ClinVar:

NM_021620.4(PRDM13):c.7G>C (p.Gly3Arg)

Gene: PRDM13 (PR/SET domain 13; plus strand). Cytogenetic location: 6q16.2.
Variant type: single nucleotide variant.
Coding change: c.7G>C on transcript NM_021620.4 (MANE Select); coding-DNA position 7, G replaced by C.
Protein change: p.Gly3Arg; replaces glycine 3 with arginine.
Molecular consequence: missense variant.
Genome position (GRCh38, 1-based): chr6:99,607,041, G>C. VCF-style: chr6-99607041-G-C. GRCh37 (hg19) VCF-style: chr6-100054917-G-C.
Other names: short protein forms G3R.
Identifiers: ClinVar variation 1448754 (VCV001448754.6), dbSNP rs1299593168, ClinGen allele CA365113036.
Genomic context (GRCh38, chr6:99,607,041, plus strand): 5'-CGCCCTTCCAAGGACCTGGAGCACCCGAGCGCCTGCCTGGTGGCGGCGGCAACAATGCAC[G>C]GAGCCGCCAGAGCGCCAGCCACCAGCGTGAGTGCCGACTGCTGCATCCCGGCCGGCTTGC-3'
Protein context (NP_067633.2, residues 1-13): MH[Gly3Arg]AARAPATSVS

ClinVar aggregate classification (germline): Uncertain significance (1 of 4 stars; one submission).

Allele frequency attached by ClinVar (database versions not stated): gnomAD 0.00002; gnomAD exomes 0.00003.
gnomAD v4.1: 26 of 1,609,588 alleles (0.0016%); highest among the groups gnomAD compares: Admixed American, 0.01%; no homozygotes.

Submission:

Labcorp Genetics (formerly Invitae), Labcorp
Classification: Uncertain significance. Last evaluated: 2025-10-22. Review status: criteria provided, single submitter. Criteria: Invitae Variant Classification Sherloc (09022015). Collection method: clinical testing. Allele origin: germline.
Comment: This sequence change replaces glycine, which is neutral and non-polar, with arginine, which is basic and polar, at codon 3 of the PRDM13 protein (p.Gly3Arg). This variant is present in population databases (no rsID available, gnomAD 0.01%). This variant has not been reported in the literature in individuals affected with PRDM13-related conditions. ClinVar contains an entry for this variant (Variation ID: 1448754). An algorithm developed to predict the effect of missense changes on protein structure and function (PolyPhen-2) suggests that this variant is likely to be disruptive. In summary, the available evidence is currently insufficient to determine the role of this variant in disease. Therefore, it has been classified as a Variant of Uncertain Significance.